The following is an entry in ClinVar:

NM_002691.4(POLD1):c.1925C>T (p.Thr642Ile)

Gene: POLD1 (DNA polymerase delta 1, catalytic subunit; plus strand). Cytogenetic location: 19q13.33.
Variant type: single nucleotide variant.
Coding change: c.1925C>T on transcript NM_002691.4 (MANE Select); coding-DNA position 1925, C replaced by T.
Protein change: p.Thr642Ile; replaces threonine 642 with isoleucine.
Molecular consequence: missense variant. On other transcripts: non-coding transcript variant (1).
Genome position (GRCh38, 1-based): chr19:50,409,154, C>T. VCF-style: chr19-50409154-C-T. GRCh37 (hg19) VCF-style: chr19-50912411-C-T.
Other names: c.1925C>T, p.Thr642Ile (NM_001256849.1); c.2003C>T, p.Thr668Ile (NM_001308632.1); short protein forms T642I, T668I.
Identifiers: ClinVar variation 1782755 (VCV001782755.5), dbSNP rs878854529, ClinGen allele CA406982255.

ClinVar aggregate classification (germline): Uncertain significance. Review status: criteria provided, multiple submitters, no conflicts (2 of 4 stars). 2 submissions from 2 submitters: Uncertain significance (2). Last evaluated 2023-09-30.

Conditions:
Hereditary cancer-predisposing syndrome. Also called: Tumor predisposition; Hereditary Cancer Syndrome; Hereditary neoplastic syndrome; Neoplastic Syndromes, Hereditary. Identifiers: Orphanet 140162, MedGen C0027672, MeSH D009386, MONDO:0015356.
POLD1-related polyposis and colorectal cancer syndrome (CRCS10). Also called: Colorectal cancer 10; COLORECTAL CANCER, SUSCEPTIBILITY TO, ON CHROMOSOME 19q; Colorectal cancer, susceptibility to, 10. Identifiers: Orphanet 220460, MedGen C2675481, MONDO:0012953, OMIM 612591.

Submissions (2):

Labcorp Genetics (formerly Invitae), Labcorp
Classification: Uncertain significance for POLD1-related polyposis and colorectal cancer syndrome. Last evaluated: 2023-09-30. Review status: criteria provided, single submitter. Criteria: Invitae Variant Classification Sherloc (09022015). Collection method: clinical testing. Allele origin: germline.
Comment: ClinVar contains an entry for this variant (Variation ID: 1782755). This sequence change replaces threonine, which is neutral and polar, with isoleucine, which is neutral and non-polar, at codon 642 of the POLD1 protein (p.Thr642Ile). This variant is not present in population databases (gnomAD no frequency). This variant has not been reported in the literature in individuals affected with POLD1-related conditions. Advanced modeling of protein sequence and biophysical properties (such as structural, functional, and spatial information, amino acid conservation, physicochemical variation, residue mobility, and thermodynamic stability) performed at Invitae indicates that this missense variant is not expected to disrupt POLD1 protein function. In summary, the available evidence is currently insufficient to determine the role of this variant in disease. Therefore, it has been classified as a Variant of Uncertain Significance.

Ambry Genetics
Classification: Uncertain significance for Hereditary cancer-predisposing syndrome. Last evaluated: 2022-02-14. Review status: criteria provided, single submitter. Criteria: Ambry Variant Classification Scheme 2023. Collection method: clinical testing. Allele origin: germline.
Comment: The p.T642I variant (also known as c.1925C>T), located in coding exon 15 of the POLD1 gene, results from a C to T substitution at nucleotide position 1925. The threonine at codon 642 is replaced by isoleucine, an amino acid with similar properties. This amino acid position is conserved. In addition, this alteration is predicted to be tolerated by in silico analysis. Since supporting evidence is limited at this time, the clinical significance of this alteration remains unclear.